The following is an entry in ClinVar:

NM_002480.3(PPP1R12A):c.1932T>C (p.Ser644=)

Gene: PPP1R12A (protein phosphatase 1 regulatory subunit 12A; minus strand). Cytogenetic location: 12q21.2.
Variant type: single nucleotide variant.
Coding change: c.1932T>C on transcript NM_002480.3 (MANE Select); coding-DNA position 1932, T replaced by C.
Protein change: p.Ser644=; no amino-acid change (serine 644 retained).
Molecular consequence: synonymous variant.
Genome position (GRCh38, 1-based): chr12:79,805,660, A>G on the plus strand (T>C on the coding strand, the complement: PPP1R12A is on the minus strand). VCF-style: chr12-79805660-A-G. GRCh37 (hg19) VCF-style: chr12-80199440-A-G.
Other names: c.1932T>C, p.Ser644= (NM_001143885.2, NM_001244990.2); c.1671T>C, p.Ser557= (NM_001143886.2); c.1764T>C, p.Ser588= (NM_001244992.1).
Identifiers: ClinVar variation 3390220 (VCV003390220.14).

ClinVar aggregate classification (germline): Uncertain significance (1 of 4 stars; one submission).

Submission:

CeGaT Center for Human Genetics Tuebingen
Classification: Uncertain significance. Last evaluated: 2024-11-01. Review status: criteria provided, single submitter. Criteria: CeGaT Center For Human Genetics Tuebingen Variant Classification Criteria Version 2. Collection method: clinical testing. Allele origin: germline. Affected: yes. Observed: 1 variant allele.
Comment: PPP1R12A: PM2:Supporting, BP4